The following is an entry in ClinVar:

NM_001020658.2(PUM1):c.1544dup (p.Asn516fs)

Gene: PUM1 (pumilio RNA binding family member 1; minus strand). Cytogenetic location: 1p35.2.
Variant type: Duplication.
Coding change: c.1544dup on transcript NM_001020658.2 (MANE Select); coding-DNA position 1544, one base duplicated (C; older notation c.1544dupC).
Protein change: p.Asn516fs; shifts the reading frame from asparagine 516.
Molecular consequence: frameshift variant.
Genome position (GRCh38, 1-based): chr1:30,968,455, G duplicated on the plus strand (C on the coding strand, the reverse complement: PUM1 is on the minus strand); the first of 4 consecutive G bases (chr1:30,968,455-30,968,458); duplicating any one gives the same sequence. VCF-style (leftmost placement, unchanged base first): chr1-30968454-T-TG. GRCh37 (hg19) VCF-style: chr1-31441301-T-TG.
Other names: c.1544dup, p.Asn516fs (NM_014676.3); short protein forms N516fs.
Identifiers: ClinVar variation 4813063 (VCV004813063.1).

ClinVar aggregate classification (germline): Likely pathogenic (1 of 4 stars; one submission).

Conditions:
Spinocerebellar ataxia 47 (NEDMSF). Also called: neurodevelopmental disorder with motor abnormalities, seizures, and facial dysmorphism; PADDAS SYNDROME. Identifiers: Orphanet 642747, MedGen C4693672, MONDO:0033482, OMIM 620719.

Submission:

Variantyx, Inc.
Classification: Likely pathogenic for Spinocerebellar ataxia 47. Last evaluated: 2025-12-28. Review status: criteria provided, single submitter. Criteria: Variantyx Assertion Criteria 2022. Collection method: clinical testing. Allele origin: germline. Inheritance: Autosomal dominant inheritance. Affected: yes.
Comment: This is a frameshift variant in the PUM1 gene (OMIM: 607204). Pathogenic variants in this gene have been associated with autosomal dominant neurodevelopmental disorder with motor abnormalities, seizures, and facial dysmorphism. This variant introduces a premature termination codon in exon 12 out of 22. It is expected to result in loss of function, which is a known disease mechanism for PUM1 in this disorder (PMID: 29474920) (PVS1). This variant is absent from control populations (PM2). This variant has not been reported in individuals with PUM1-related disorders in the databases available for review. Based on the current evidence, this variant is classified as likely pathogenic for autosomal dominant neurodevelopmental disorder with motor abnormalities, seizures, and facial dysmorphism.

Literature cited by the submitters: PubMed 29474920.